The following is an entry in ClinVar:

NM_000322.5(PRPH2):c.411del (p.Gly137_Met138insTer)

Gene: PRPH2 (peripherin 2; minus strand). Cytogenetic location: 6p21.1.
Variant type: Deletion.
Coding change: c.411del on transcript NM_000322.5 (MANE Select); coding-DNA position 411, one base deleted (C; older notation c.411delC).
Protein change: p.Gly137_Met138insTer.
Molecular consequence: frameshift variant.
Genome position (GRCh38, 1-based): chr6:42,721,924, G deleted on the plus strand (C on the coding strand, the reverse complement: PRPH2 is on the minus strand). VCF-style (leftmost placement, unchanged base first): chr6-42721923-TG-T. GRCh37 (hg19) VCF-style: chr6-42689661-TG-T.
Identifiers: ClinVar variation 3389776 (VCV003389776.14).

ClinVar aggregate classification (germline): Pathogenic (1 of 4 stars; one submission).

Submission:

CeGaT Center for Human Genetics Tuebingen
Classification: Pathogenic. Last evaluated: 2024-09-01. Review status: criteria provided, single submitter. Criteria: CeGaT Center For Human Genetics Tuebingen Variant Classification Criteria Version 2. Collection method: clinical testing. Allele origin: germline. Affected: yes. Observed: 1 variant allele.
Comment: PRPH2: PVS1, PM2